The following is an entry in ClinVar:

NM_000371.4(TTR):c.259G>C (p.Gly87Arg)

Gene: TTR (transthyretin; plus strand). Cytogenetic location: 18q12.1.
Variant type: single nucleotide variant.
Coding change: c.259G>C on transcript NM_000371.4 (MANE Select); coding-DNA position 259, G replaced by C.
Protein change: p.Gly87Arg; replaces glycine 87 with arginine.
Molecular consequence: missense variant.
Genome position (GRCh38, 1-based): chr18:31,595,178, G>C. VCF-style: chr18-31595178-G-C. GRCh37 (hg19) VCF-style: chr18-29175141-G-C.
Other names: p.Gly87Arg; short protein forms G87R.
Identifiers: ClinVar variation 1006084 (VCV001006084.10), dbSNP rs11541799, ClinGen allele CA402157004.
Genomic context (GRCh38, chr18:31,595,178, plus strand): 5'-AGGAAAACCAGTGAGTCTGGAGAGCTGCATGGGCTCACAACTGAGGAGGAATTTGTAGAA[G>C]GGATATACAAAGTGGAAATAGACACCAAATCTTACTGGAAGGCACTTGGCATCTCCCCAT-3'
Protein context (NP_000362.1, residues 77-97): GLTTEEEFVE[Gly87Arg]IYKVEIDTKS

ClinVar aggregate classification (germline): Likely pathogenic. Review status: criteria provided, multiple submitters, no conflicts (2 of 4 stars). 3 submissions from 3 submitters: Likely pathogenic (2). 1 of the submissions does not count toward it. Last evaluated 2024-09-17.

Conditions:
Amyloidosis, hereditary systemic 1 (AMYLD1). Also called: Transthyretin Amyloidosis; AMYLOID CARDIOMYOPATHY; Isolated Cardiac Amyloidosis; Amyloid Cardiomyopathy, Transthyretin-related; Familial amyloid polyneuropathy; Hereditary oculoleptomeningeal amyloid angiopathy. Identifiers: Orphanet 85447, Orphanet 85451, MedGen C2751492, MONDO:0971004, OMIM 105210.

Submissions (3):

Mayo Clinic Laboratories, Mayo Clinic
Classification: Likely pathogenic. Last evaluated: 2024-09-17. Review status: criteria provided, single submitter. Criteria: ACMG Guidelines, 2015. Collection method: clinical testing. Allele origin: germline. Observed: 1 variant allele.
Comment: PP1, PP3, PP4, PM1, PM2, PM5, PS4_moderate

Labcorp Genetics (formerly Invitae), Labcorp
Classification: Likely pathogenic for Amyloidosis, hereditary systemic 1. Last evaluated: 2022-11-29. Review status: criteria provided, single submitter. Criteria: Invitae Variant Classification Sherloc (09022015). Collection method: clinical testing. Allele origin: germline.
Comment: This variant is not present in population databases (gnomAD no frequency). This missense change has been observed in individual(s) with familial transthyretin amyloidosis (PMID: 28802308). This sequence change replaces glycine, which is neutral and non-polar, with arginine, which is basic and polar, at codon 87 of the TTR protein (p.Gly87Arg). This variant disrupts the p.Gly87 amino acid residue in TTR. Other variant(s) that disrupt this residue have been observed in individuals with TTR-related conditions (PMID: 17968690, 22320251), which suggests that this may be a clinically significant amino acid residue. In summary, the currently available evidence indicates that the variant is pathogenic, but additional data are needed to prove that conclusively. Therefore, this variant has been classified as Likely Pathogenic. Advanced modeling of protein sequence and biophysical properties (such as structural, functional, and spatial information, amino acid conservation, physicochemical variation, residue mobility, and thermodynamic stability) performed at Invitae indicates that this missense variant is expected to disrupt TTR protein function. This variant is also known as Gly67Arg. ClinVar contains an entry for this variant (Variation ID: 1006084).

Molecular Genetics Laboratory, BC Children's and BC Women's Hospitals
Classification: Uncertain significance for TRANSTHYRETIN AMYLOIDOSIS. Last evaluated: 2020-12-02. Review status: no assertion criteria provided. Criteria: ACMG Guidelines, 2015. Collection method: clinical testing. Allele origin: germline. Affected: yes. Not counted in ClinVar's aggregate classification.

Literature cited by the submitters: PubMed 28802308 (cited by Mayo Clinic Laboratories, Mayo Clinic and Labcorp Genetics (formerly Invitae), Labcorp); PubMed 36325894 (cited by Mayo Clinic Laboratories, Mayo Clinic); PubMed 17968690 (cited by Labcorp Genetics (formerly Invitae), Labcorp); PubMed 22320251 (cited by Labcorp Genetics (formerly Invitae), Labcorp).